The following is an entry in ClinVar:

ClinVar aggregate classification (germline): Pathogenic. Review status: criteria provided, multiple submitters, no conflicts (2 of 4 stars). 9 submissions from 9 submitters: Pathogenic (8). 1 of the submissions does not count toward it. Last evaluated 2026-01-27.

Conditions:
maculopathy.
ABCA4-related disorder. Also called: ABCA4-related disorders; ABCA4-related condition. Identifiers: MedGen CN239167.
Retinitis pigmentosa 19 (RP19). Also called: ABCA4-Related Retinitis Pigmentosa. Identifiers: Orphanet 791, MedGen C1866422, MONDO:0011137, OMIM 601718.
Cone-rod dystrophy 3 (CORD3). Identifiers: Orphanet 1872, MedGen C1858806, MONDO:0011395, OMIM 604116.
Age related macular degeneration 2. Also called: MACULAR DEGENERATION, SENILE; MACULOPATHY, AGE-RELATED, 2; MACULOPATHY, AGE-RELATED. Identifiers: MedGen C3495438, MONDO:0007932, OMIM 153800.
Severe early-childhood-onset retinal dystrophy (STGD1). Also called: MACULAR DYSTROPHY WITH FLECKS, TYPE 1; STGD; Stargardt macular dystrophy; Juvenile onset macular degeneration; Stargardt disease 1. Identifiers: Orphanet 364055, Orphanet 827, MedGen C1855465, MeSH D000080362, MONDO:0009549, OMIM 248200.
Retinal dystrophy. Also called: Inherited retinal dystrophy. Identifiers: Orphanet 71862, MedGen C0854723, MeSH D058499, MONDO:0019118, HP:0000556.

Allele frequency attached by ClinVar (database versions not stated): gnomAD exomes below 0.00001.
gnomAD v4.1: 3 of 1,614,042 alleles (0.00019%); highest among the groups gnomAD compares: South Asian, 0.0011%; no homozygotes.

Submissions (9):

PreventionGenetics, part of Exact Sciences
Classification: Pathogenic for ABCA4-related condition. Last evaluated: 2026-01-27. Review status: criteria provided, single submitter. Criteria: ACMG Guidelines, 2015. Collection method: clinical testing. Allele origin: germline.
Comment: The ABCA4 c.1714C>T variant is predicted to result in premature protein termination (p.Arg572*). This variant has been reported in individuals with Stargardt disease or ABCA4-related retinal disease (see for example: Stenirri et al. 2008. PubMed ID: 18652558; Supplemental table 4, Thiadens et al. 2012. PubMed ID: 22264887; Lin et al. 2016. PubMed ID: 27739528). This variant has not been reported in a large population database (gnomAD), indicating this variant is rare. Nonsense variants in ABCA4 are expected to be pathogenic. This variant is interpreted as pathogenic.

Labcorp Genetics (formerly Invitae), Labcorp
Classification: Pathogenic. Last evaluated: 2026-01-12. Review status: criteria provided, single submitter. Criteria: Invitae Variant Classification Sherloc (09022015). Collection method: clinical testing. Allele origin: germline.
Comment: This sequence change creates a premature translational stop signal (p.Arg572*) in the ABCA4 gene. It is expected to result in an absent or disrupted protein product. Loss-of-function variants in ABCA4 are known to be pathogenic (PMID: 10958761, 24938718, 25312043, 26780318). This variant is not present in population databases (gnomAD no frequency). This premature translational stop signal has been observed in individuals with ABCA4-related conditions (PMID: 22264887, 27739528). ClinVar contains an entry for this variant (Variation ID: 620085). Algorithms developed to predict the effect of sequence changes on RNA splicing suggest that this variant may disrupt the consensus splice site. For these reasons, this variant has been classified as Pathogenic.

3billion
Classification: Pathogenic for ABCA4-related disorder. Last evaluated: 2025-08-12. Review status: criteria provided, single submitter. Criteria: ACMG Guidelines, 2015. Collection method: clinical testing. Allele origin: germline. Affected: yes.
Comment: The variant is observed at an extremely low frequency in the gnomAD v4.1.0 dataset (total allele frequency: <0.001%). Predicted Consequence/Location: Stop-gained (nonsense): predicted to result in a loss or disruption of normal protein function through nonsense-mediated decay (NMD) or protein truncation. Multiple pathogenic variants are reported downstream of the variant. The variant has been reported at least twice as pathogenic with clinical assertions and evidence for the classification (ClinVar ID: VCV000620085 /PMID: 18652558). Therefore, this variant is classified as Pathogenic according to the recommendation of ACMG/AMP guideline.

Dubai Health Genomic Medicine Center, Dubai Health
Classification: Pathogenic for Retinal dystrophy. Last evaluated: 2024-10-04. Review status: criteria provided, single submitter. Criteria: ACMG Guidelines, 2015. Collection method: research. Allele origin: germline. Affected: yes.
Comment: PVS1,PM3(moderate),PM2

Fulgent Genetics
Classification: Pathogenic for Age related macular degeneration 2; Severe early-childhood-onset retinal dystrophy; Retinitis pigmentosa 19; Cone-rod dystrophy 3. Last evaluated: 2024-05-21. Review status: criteria provided, single submitter. Criteria: ACMG Guidelines, 2015. Collection method: clinical testing. Allele origin: germline.

Blueprint Genetics
Classification: Pathogenic for ABCA4-related disorders. Last evaluated: 2023-06-19. Review status: criteria provided, single submitter. Criteria: ACMG Guidelines, 2015. Collection method: clinical testing. Allele origin: germline. Affected: yes. Observed: 5 variant alleles.

CeGaT Center for Human Genetics Tuebingen
Classification: Pathogenic. Last evaluated: 2019-04-01. Review status: criteria provided, single submitter. Criteria: CeGaT Center For Human Genetics Tuebingen Variant Classification Criteria Version 2. Collection method: clinical testing. Allele origin: germline. Affected: yes. Observed: 1 variant allele.

GeneDx
Classification: Pathogenic. Last evaluated: 2018-07-03. Review status: criteria provided, single submitter. Criteria: GeneDx Variant Classification (06012015). Collection method: clinical testing. Allele origin: germline. Affected: yes.
Comment: The R572X variant in the ABCA4 gene has been reported previously in Stargardt disease and cone-rod dystrophy, in affected individuals who were compound heterozygous for the R572X variant and another ABCA4 variant (Stenirri et al., 2008; Thiadens et al., 2012; Lin et al., 2016). This variant is predicted to cause loss of normal protein function either through protein truncation or nonsense-mediated mRNA decay. The R572X variant is not observed in large population cohorts (Lek et al., 2016). We interpret R572X as a pathogenic variant.

Sharon lab, Hadassah-Hebrew University Medical Center
Classification: Pathogenic for Maculopathy. Last evaluated: 2019-06-23. Review status: no assertion criteria provided. Collection method: research. Allele origin: inherited. Affected: yes. Not counted in ClinVar's aggregate classification.

Literature cited by the submitters: PubMed 10958761 (cited by Labcorp Genetics (formerly Invitae), Labcorp); PubMed 24938718 (cited by Labcorp Genetics (formerly Invitae), Labcorp); PubMed 25312043 (cited by Labcorp Genetics (formerly Invitae), Labcorp); PubMed 26780318 (cited by Labcorp Genetics (formerly Invitae), Labcorp); PubMed 22264887 (cited by Labcorp Genetics (formerly Invitae), Labcorp); PubMed 27739528 (cited by Labcorp Genetics (formerly Invitae), Labcorp); PubMed 18652558 (cited by 3billion).

NM_000350.3(ABCA4):c.1714C>T (p.Arg572Ter)

Gene: ABCA4 (ATP binding cassette subfamily A member 4; minus strand). Cytogenetic location: 1p22.1.
Variant type: single nucleotide variant.
Coding change: c.1714C>T on transcript NM_000350.3 (MANE Select); coding-DNA position 1714, C replaced by T.
Protein change: p.Arg572Ter; replaces arginine 572 with a stop codon.
Molecular consequence: nonsense.
Genome position (GRCh38, 1-based): chr1:94,063,158, G>A on the plus strand (C>T on the coding strand, the complement: ABCA4 is on the minus strand). VCF-style: chr1-94063158-G-A. GRCh37 (hg19) VCF-style: chr1-94528714-G-A.
Other names: c.1714C>T, p.Arg572Ter (NM_001425324.1); short protein forms R572*.
Identifiers: ClinVar variation 620085 (VCV000620085.55), dbSNP rs1557787756, ClinGen allele CA341280062.